The following is an entry in ClinVar:

ClinVar aggregate classification (germline): Likely pathogenic (1 of 4 stars; one submission).

Submission:

GeneDx
Classification: Likely pathogenic. Last evaluated: 2022-03-15. Review status: criteria provided, single submitter. Criteria: GeneDx Variant Classification Process June 2021. Collection method: clinical testing. Allele origin: germline. Affected: yes.
Comment: Not observed at significant frequency in large population cohorts (gnomAD); In silico analysis supports that this missense variant has a deleterious effect on protein structure/function; This variant is associated with the following publications: (PMID: 11114740, 10835628, 23074044)

NM_182925.5(FLT4):c.3170G>A (p.Gly1057Asp)

Gene: FLT4 (fms related receptor tyrosine kinase 4; minus strand). Cytogenetic location: 5q35.3.
Variant type: single nucleotide variant.
Coding change: c.3170G>A on transcript NM_182925.5 (MANE Select); coding-DNA position 3170, G replaced by A.
Protein change: p.Gly1057Asp; replaces glycine 1057 with aspartic acid.
Molecular consequence: missense variant.
Genome position (GRCh38, 1-based): chr5:180,616,416, C>T on the plus strand (G>A on the coding strand, the complement: FLT4 is on the minus strand). VCF-style: chr5-180616416-C-T. GRCh37 (hg19) VCF-style: chr5-180043416-C-T.
Other names: c.3170G>A, p.Gly1057Asp (NM_001354989.2, NM_002020.5); short protein forms G1057D.
Identifiers: ClinVar variation 1706213 (VCV001706213.2), dbSNP rs2480865039, ClinGen allele CA362500475.